The following is an entry in ClinVar:

NM_001267550.2(TTN):c.104267G>C (p.Arg34756Thr)

Genes: TTN (titin; minus strand), TTN-AS1 (TTN antisense RNA 1; plus strand). Cytogenetic location: 2q31.2.
Variant type: single nucleotide variant.
Coding change: c.104267G>C on transcript NM_001267550.2 (MANE Select); coding-DNA position 104267, G replaced by C.
Protein change: p.Arg34756Thr; replaces arginine 34756 with threonine.
Molecular consequence: missense variant.
Genome position (GRCh38, 1-based): chr2:178,532,348, C>G on the plus strand (G>C on the coding strand, the complement: TTN is on the minus strand). VCF-style: chr2-178532348-C-G. GRCh37 (hg19) VCF-style: chr2-179397075-C-G.
Other names: c.104267G>C (NM_001267550.1); c.99344G>C, p.Arg33115Thr (NM_001256850.1); c.77072G>C, p.Arg25691Thr (NM_003319.4); c.96563G>C, p.Arg32188Thr (NM_133378.4); c.77447G>C, p.Arg25816Thr (NM_133432.3); c.77648G>C, p.Arg25883Thr (NM_133437.4); short protein forms R25691T, R25816T, R25883T, R32188T, R33115T, R34756T.
Identifiers: ClinVar variation 1311225 (VCV001311225.8), dbSNP rs1344770836, ClinGen allele CA349412118.

ClinVar aggregate classification (germline): Uncertain significance. Review status: criteria provided, multiple submitters, no conflicts (2 of 4 stars). 3 submissions from 3 submitters: Uncertain significance (3). Last evaluated 2025-05-26.

Conditions:
Autosomal recessive limb-girdle muscular dystrophy type 2J (LGMDR10). Also called: Limb-girdle muscular dystrophy, type 2J; MUSCULAR DYSTROPHY, LIMB-GIRDLE, AUTOSOMAL RECESSIVE 10. Identifiers: Orphanet 140922, MedGen C1837342, MONDO:0012127, OMIM 608807.
Dilated cardiomyopathy 1G (CMD1G). Identifiers: Orphanet 154, MedGen C1858763, MONDO:0011400, OMIM 604145.
Hypertrophic cardiomyopathy 9. Also called: Familial hypertrophic cardiomyopathy 9. Identifiers: MedGen C1861065, MONDO:0013412, OMIM 613765.
Early-onset myopathy with fatal cardiomyopathy (CMYO5). Also called: CONGENITAL MYOPATHY 5 WITH CARDIOMYOPATHY; Salih Myopathy. Identifiers: Orphanet 289377, MedGen C2673677, MONDO:0012714, OMIM 611705. Disease mechanism: loss of function.
Myopathy, myofibrillar, 9, with early respiratory failure (MFM9). Also called: Hereditary myopathy with early respiratory failure; EDSTROM MYOPATHY; MYOPATHY, PROXIMAL, WITH EARLY RESPIRATORY MUSCLE INVOLVEMENT; Myopathy, distal, with early respiratory failure, autosomal dominant. Identifiers: Orphanet 178464, Orphanet 34521, MedGen C1863599, MONDO:0011362, OMIM 603689.
Tibial muscular dystrophy (TMD). Also called: Udd Distal Myopathy – Tibial Muscular Dystrophy; UDD MYOPATHY; Tibial muscular dystrophy, tardive. Identifiers: Orphanet 609, MedGen C1838244, MONDO:0010870, OMIM 600334.

Allele frequency attached by ClinVar (database versions not stated): gnomAD 0.00001; gnomAD exomes 0.00001; TOPMed 0.00001.
gnomAD v4.1: 10 of 1,613,902 alleles (0.00062%); highest among the groups gnomAD compares: Non-Finnish European, 0.00085%; no homozygotes.

Submissions (3):

Labcorp Genetics (formerly Invitae), Labcorp
Classification: Uncertain significance for Dilated cardiomyopathy 1G; Autosomal recessive limb-girdle muscular dystrophy type 2J. Last evaluated: 2025-05-26. Review status: criteria provided, single submitter. Criteria: Invitae Variant Classification Sherloc (09022015). Collection method: clinical testing. Allele origin: germline.
Comment: This sequence change replaces arginine, which is basic and polar, with threonine, which is neutral and polar, at codon 34756 of the TTN protein (p.Arg34756Thr). This variant is present in population databases (no rsID available, gnomAD 0.002%). This variant has not been reported in the literature in individuals affected with TTN-related conditions. ClinVar contains an entry for this variant (Variation ID: 1311225). Experimental studies and prediction algorithms are not available or were not evaluated, and the functional significance of this variant is currently unknown. This variant is located in the M band of TTN (PMID: 25589632). Non-truncating variants in this region may be relevant for neuromuscular disorders, but have not been definitively shown to cause cardiomyopathy (PMID: 23975875). In summary, the available evidence is currently insufficient to determine the role of this variant in disease. Therefore, it has been classified as a Variant of Uncertain Significance.

GeneDx
Classification: Uncertain significance. Last evaluated: 2023-04-04. Review status: criteria provided, single submitter. Criteria: GeneDx Variant Classification Process June 2021. Collection method: clinical testing. Allele origin: germline. Affected: yes.
Comment: Not observed at significant frequency in large population cohorts (gnomAD); Missense variant in a gene in which most reported pathogenic variants are truncating/loss-of-function; Has not been previously published as pathogenic or benign to our knowledge

Fulgent Genetics
Classification: Uncertain significance for Tibial muscular dystrophy; Myopathy, myofibrillar, 9, with early respiratory failure; Dilated cardiomyopathy 1G; Autosomal recessive limb-girdle muscular dystrophy type 2J; Early-onset myopathy with fatal cardiomyopathy; Hypertrophic cardiomyopathy 9. Last evaluated: 2021-09-28. Review status: criteria provided, single submitter. Criteria: ACMG Guidelines, 2015. Collection method: clinical testing. Allele origin: unknown.

Literature cited by the submitters: PubMed 25589632 (cited by Labcorp Genetics (formerly Invitae), Labcorp); PubMed 23975875 (cited by Labcorp Genetics (formerly Invitae), Labcorp).